The following is an entry in ClinVar:

NM_000666.3(ACY1):c.160-1G>A

Genes: ABHD14A-ACY1 (ABHD14A-ACY1 readthrough; plus strand), ACY1 (aminoacylase 1; plus strand). Cytogenetic location: 3p21.2.
Variant type: single nucleotide variant.
Coding change: c.160-1G>A on transcript NM_000666.3 (MANE Select); the canonical splice acceptor site of the intron before coding-DNA position 160, G replaced by A.
Molecular consequence: splice acceptor variant. On other transcripts: intron variant (1).
Genome position (GRCh38, 1-based): chr3:51,985,360, G>A. VCF-style: chr3-51985360-G-A. GRCh37 (hg19) VCF-style: chr3-52019376-G-A.
Other names: c.430-1G>A (NM_001316331.2); c.160-1G>A (NM_001198897.2, NM_001198896.2, NM_001198895.2); c.95-41G>A (NM_001198898.2).
Identifiers: ClinVar variation 2682251 (VCV002682251.1), dbSNP rs1368307429, ClinGen allele CA353086726.

ClinVar aggregate classification (germline): Likely pathogenic (1 of 4 stars; one submission).

Conditions:
Aminoacylase 1 deficiency. Also called: Neurological conditions associated with aminoacylase 1 deficiency. Identifiers: Orphanet 137754, MedGen C1835922, MONDO:0012368, OMIM 609924.

Submission:

Women's Health and Genetics/Laboratory Corporation of America, LabCorp
Classification: Likely pathogenic for Aminoacylase 1 deficiency. Last evaluated: 2023-11-03. Review status: criteria provided, single submitter. Criteria: LabCorp Variant Classification Summary - May 2015. Collection method: clinical testing. Allele origin: germline.
Comment: Variant summary: ACY1 c.160-1G>A is located in a canonical splice-site and is predicted to affect mRNA splicing resulting in a significantly altered protein due to either exon skipping, shortening, or inclusion of intronic material. Several computational tools predict a significant impact on normal splicing: Four predict the variant abolishes a 3' acceptor site. However, these predictions have yet to be confirmed by functional studies. The variant was absent in 251266 control chromosomes (genomAD). To our knowledge, no occurrence of c.160-1G>A in individuals affected with Aminoacylase 1 Deficiency and no experimental evidence demonstrating its impact on protein function have been reported. No submitters have cited clinical-significance assessments for this variant to ClinVar after 2014. Based on the evidence outlined above, the variant was classified as likely pathogenic.